The following is an entry in ClinVar:

ClinVar aggregate classification (germline): Uncertain significance. Review status: criteria provided, multiple submitters, no conflicts (2 of 4 stars). 2 submissions from 2 submitters: Uncertain significance (2). Last evaluated 2025-08-27.

Conditions:
Developmental delay, hypotonia, musculoskeletal defects, and behavioral abnormalities. Identifiers: MedGen C5562012, MONDO:0859202, OMIM 619595.
Floating-Harbor syndrome (FLHS). Also called: SRCAP-Related Floating-Harbor Syndrome; Short stature with delayed bone age, expressive language delay, a triangular face with a prominent nose and deep-set eyes; Pelletier-Leisti syndrome. Identifiers: Orphanet 2044, MedGen C0729582, MONDO:0007621, OMIM 136140.

Allele frequency attached by ClinVar (database versions not stated): gnomAD 0.00002; TOPMed 0.00002; ESP Exome Variant Server 0.00008; gnomAD exomes 0.00001.
gnomAD v4.1: 14 of 1,613,912 alleles (0.00087%); highest among the groups gnomAD compares: East Asian, 0.0045%; no homozygotes.

Submissions (2):

Labcorp Genetics (formerly Invitae), Labcorp
Classification: Uncertain significance. Last evaluated: 2025-08-27. Review status: criteria provided, single submitter. Criteria: Invitae Variant Classification Sherloc (09022015). Collection method: clinical testing. Allele origin: germline.
Comment: This sequence change replaces glutamic acid, which is acidic and polar, with lysine, which is basic and polar, at codon 2963 of the SRCAP protein (p.Glu2963Lys). This variant is present in population databases (rs375006393, gnomAD 0.01%). This variant has not been reported in the literature in individuals affected with SRCAP-related conditions. ClinVar contains an entry for this variant (Variation ID: 1909879). Invitae Evidence Modeling of protein sequence and biophysical properties (such as structural, functional, and spatial information, amino acid conservation, physicochemical variation, residue mobility, and thermodynamic stability) has been performed for this missense variant. However, the output from this modeling did not meet the statistical confidence thresholds required to predict the impact of this variant on SRCAP protein function. In summary, the available evidence is currently insufficient to determine the role of this variant in disease. Therefore, it has been classified as a Variant of Uncertain Significance.

Fulgent Genetics
Classification: Uncertain significance for Floating-Harbor syndrome; Developmental delay, hypotonia, musculoskeletal defects, and behavioral abnormalities. Last evaluated: 2024-04-01. Review status: criteria provided, single submitter. Criteria: ACMG Guidelines, 2015. Collection method: clinical testing. Allele origin: germline.

NM_006662.3(SRCAP):c.8887G>A (p.Glu2963Lys)

Gene: SRCAP (Snf2 related CREBBP activator protein; plus strand). Cytogenetic location: 16p11.2.
Variant type: single nucleotide variant.
Coding change: c.8887G>A on transcript NM_006662.3 (MANE Select); coding-DNA position 8887, G replaced by A.
Protein change: p.Glu2963Lys; replaces glutamic acid 2963 with lysine.
Molecular consequence: missense variant.
Genome position (GRCh38, 1-based): chr16:30,738,927, G>A. VCF-style: chr16-30738927-G-A. GRCh37 (hg19) VCF-style: chr16-30750248-G-A.
Other names: short protein forms E2963K.
Identifiers: ClinVar variation 1909879 (VCV001909879.6), dbSNP rs375006393, ClinGen allele CA280525134.
Genomic context (GRCh38, chr16:30,738,927, plus strand): 5'-CCTAAAGCACGAGATTTGCCCATCCCTGGGACCATTTCCTCTGCAGGGGATGGCAACTCC[G>A]AAAGTCGGACACAGCCACCCCCACACCCATCACCCCTAACCCCACTCCCACCACTGCTAG-3'
Protein context (NP_006653.2, residues 2953-2973): TISSAGDGNS[Glu2963Lys]SRTQPPPHPS